The following is an entry in ClinVar:

NM_006206.6(PDGFRA):c.50-9C>T

Gene: PDGFRA (platelet derived growth factor receptor alpha; plus strand). Cytogenetic location: 4q12.
Variant type: single nucleotide variant.
Coding change: c.50-9C>T on transcript NM_006206.6 (MANE Select); 9 bases into the intron before coding-DNA position 50, C replaced by T.
Molecular consequence: intron variant.
Genome position (GRCh38, 1-based): chr4:54,261,086, C>T. VCF-style: chr4-54261086-C-T. GRCh37 (hg19) VCF-style: chr4-55127253-C-T.
Other names: c.125-9C>T (NM_001347828.2); c.50-9C>T (NM_001347827.2, NM_001347829.2); c.89-9C>T (NM_001347830.2).
Identifiers: ClinVar variation 528689 (VCV000528689.13), dbSNP rs750640226, ClinGen allele CA2922224.

ClinVar aggregate classification (germline): Likely benign. Review status: criteria provided, multiple submitters, no conflicts (2 of 4 stars). 2 submissions from 2 submitters: Likely benign (2). Last evaluated 2026-06-12.

Conditions:
Polyps, multiple and recurrent inflammatory fibroid, gastrointestinal. Identifiers: MedGen C5193005, MONDO:0008285, OMIM 175510.
Gastrointestinal stromal tumor. Also called: Gastrointestinal stromal tumor, somatic; Gastrointestinal stroma tumor. Identifiers: Orphanet 44890, MedGen C0238198, MeSH D046152, MONDO:0011719, OMIM 606764, HP:0100723.

Allele frequency attached by ClinVar (database versions not stated): gnomAD exomes below 0.00001; ExAC 0.00001.
gnomAD v4.1: 1 of 1,613,862 alleles (0.000062%); highest among the groups gnomAD compares: Non-Finnish European, 0.000085%; no homozygotes.

Submissions (2):

Myriad Genetics, Inc.
Classification: Likely benign for Polyps, multiple and recurrent inflammatory fibroid, gastrointestinal. Last evaluated: 2026-06-12. Review status: criteria provided, single submitter. Criteria: Myriad Autosomal Dominant, Autosomal Recessive and X-Linked Classification Criteria (2023). Collection method: clinical testing. Allele origin: unknown.
Comment: This variant is considered likely benign. This variant is intronic and is not expected to impact mRNA splicing.

Labcorp Genetics (formerly Invitae), Labcorp
Classification: Likely benign for Gastrointestinal stromal tumor. Last evaluated: 2025-11-03. Review status: criteria provided, single submitter. Criteria: Invitae Variant Classification Sherloc (09022015). Collection method: clinical testing. Allele origin: germline.